The following is an entry in ClinVar:

NM_006178.4(NSF):c.1216A>C (p.Ile406Leu)

Genes: LRRC37A2 (leucine rich repeat containing 37 member A2), NSF (N-ethylmaleimide sensitive factor, vesicle fusing ATPase; plus strand). Cytogenetic location: 17q21.31.
Variant type: single nucleotide variant.
Coding change: c.1216A>C on transcript NM_006178.4 (MANE Select); coding-DNA position 1216, A replaced by C.
Protein change: p.Ile406Leu; replaces isoleucine 406 with leucine.
Molecular consequence: missense variant. On other transcripts: non-coding transcript variant (1).
Genome position (GRCh38, 1-based): chr17:46,694,504, A>C. VCF-style: chr17-46694504-A-C. GRCh37 (hg19) VCF-style: chr17-44771870-A-C.
Other names: short protein forms I406L.
Identifiers: ClinVar variation 3769886 (VCV003769886.1).

ClinVar aggregate classification (germline): Uncertain significance (1 of 4 stars; one submission).

Submission:

GeneDx
Classification: Uncertain significance. Last evaluated: 2024-01-28. Review status: criteria provided, single submitter. Criteria: GeneDx Variant Classification Process June 2021. Collection method: clinical testing. Allele origin: germline. Affected: yes.
Comment: Not observed at significant frequency in large population cohorts (gnomAD); In silico analysis supports that this missense variant does not alter protein structure/function; Has not been previously published as pathogenic or benign to our knowledge; Variants in candidate genes are classified as variants of uncertain significance in accordance with ACMG guidelines (PMID: 25741868)